The following is an entry in ClinVar:

ClinVar aggregate classification (germline): Uncertain significance (1 of 4 stars; one submission).

Conditions:
Glycogen storage disease type III (GSD3). Also called: FORBES DISEASE; Cori disease. Identifiers: Orphanet 366, MedGen C0017922, MONDO:0009291, OMIM 232400.

Allele frequency attached by ClinVar (database versions not stated): TOPMed below 0.00001.

Submission:

Labcorp Genetics (formerly Invitae), Labcorp
Classification: Uncertain significance for Glycogen storage disease type III. Last evaluated: 2022-04-01. Review status: criteria provided, single submitter. Criteria: Invitae Variant Classification Sherloc (09022015). Collection method: clinical testing. Allele origin: germline.
Comment: In summary, the available evidence is currently insufficient to determine the role of this variant in disease. Therefore, it has been classified as a Variant of Uncertain Significance. Algorithms developed to predict the effect of missense changes on protein structure and function are either unavailable or do not agree on the potential impact of this missense change (SIFT: "Deleterious"; PolyPhen-2: "Benign"; Align-GVGD: "Class C0"). This variant has not been reported in the literature in individuals affected with AGL-related conditions. This variant is not present in population databases (gnomAD no frequency). This sequence change replaces valine, which is neutral and non-polar, with phenylalanine, which is neutral and non-polar, at codon 776 of the AGL protein (p.Val776Phe).

NM_000642.3(AGL):c.2326G>T (p.Val776Phe)

Gene: AGL (amylo-alpha-1,6-glucosidase and 4-alpha-glucanotransferase; plus strand). Cytogenetic location: 1p21.2.
Variant type: single nucleotide variant.
Coding change: c.2326G>T on transcript NM_000642.3 (MANE Select); coding-DNA position 2326, G replaced by T.
Protein change: p.Val776Phe; replaces valine 776 with phenylalanine.
Molecular consequence: missense variant.
Genome position (GRCh38, 1-based): chr1:99,884,137, G>T. VCF-style: chr1-99884137-G-T. GRCh37 (hg19) VCF-style: chr1-100349693-G-T.
Other names: c.2326G>T, p.Val776Phe (NM_000028.3, NM_000643.3, NM_000644.3 and 2 more transcripts); c.2278G>T, p.Val760Phe (NM_000646.3); c.2125G>T, p.Val709Phe (NM_001425327.1); c.2122G>T, p.Val708Phe (NM_001425328.1, NM_001425329.1); c.1948G>T, p.Val650Phe (NM_001425332.1); short protein forms V776F, V760F, V650F, V708F, V709F.
Identifiers: ClinVar variation 1965363 (VCV001965363.5), dbSNP rs1317312967, ClinGen allele CA341320598.
Genomic context (GRCh38, chr1:99,884,137, plus strand): 5'-ATTCCATATGAAATTTTGTTAAAATGTTTTTATGTATTCCTAGGCAAAATTGAAGAAGTA[G>T]TTCTTGAAGCTAGAACTATTGAGAGAAACACGAAACCTTATAGGAAGGATGAGAATTCAA-3'
Protein context (NP_000633.2, residues 766-786): MCIPGKIEEV[Val776Phe]LEARTIERNT